The following is an entry in ClinVar:

ClinVar aggregate classification (germline): Uncertain significance (1 of 4 stars; one submission).

gnomAD v4.1: 2 of 1,571,026 alleles (0.00013%); highest among the groups gnomAD compares: African/African-American, 0.0014%; no homozygotes.

Submission:

Labcorp Genetics (formerly Invitae), Labcorp
Classification: Uncertain significance. Last evaluated: 2024-07-23. Review status: criteria provided, single submitter. Criteria: Invitae Variant Classification Sherloc (09022015). Collection method: clinical testing. Allele origin: germline.
Comment: This sequence change replaces serine, which is neutral and polar, with asparagine, which is neutral and polar, at codon 290 of the IRF2BP2 protein (p.Ser290Asn). This variant is not present in population databases (gnomAD no frequency). This variant has not been reported in the literature in individuals affected with IRF2BP2-related conditions. An algorithm developed to predict the effect of missense changes on protein structure and function (PolyPhen-2) suggests that this variant is likely to be tolerated. In summary, the available evidence is currently insufficient to determine the role of this variant in disease. Therefore, it has been classified as a Variant of Uncertain Significance.

NM_182972.3(IRF2BP2):c.869G>A (p.Ser290Asn)

Gene: IRF2BP2 (interferon regulatory factor 2 binding protein 2; minus strand). Cytogenetic location: 1q42.3.
Variant type: single nucleotide variant.
Coding change: c.869G>A on transcript NM_182972.3 (MANE Select); coding-DNA position 869, G replaced by A.
Protein change: p.Ser290Asn; replaces serine 290 with asparagine.
Molecular consequence: missense variant.
Genome position (GRCh38, 1-based): chr1:234,608,626, C>T on the plus strand (G>A on the coding strand, the complement: IRF2BP2 is on the minus strand). VCF-style: chr1-234608626-C-T. GRCh37 (hg19) VCF-style: chr1-234744372-C-T.
Other names: c.869G>A, p.Ser290Asn (NM_001077397.1); short protein forms S290N.
Identifiers: ClinVar variation 2832655 (VCV002832655.3), dbSNP rs747213968, ClinGen allele CA345307785.